The following is an entry in ClinVar:

NM_000337.6(SGCD):c.414dup (p.Phe139fs)

Gene: SGCD (sarcoglycan delta; plus strand). Cytogenetic location: 5q33.3.
Variant type: Duplication.
Coding change: c.414dup on transcript NM_000337.6 (MANE Select); coding-DNA position 414, one base duplicated (A; older notation c.414dupA).
Protein change: p.Phe139fs; shifts the reading frame from phenylalanine 139.
Molecular consequence: frameshift variant.
Genome position (GRCh38, 1-based): chr5:156,594,963, A duplicated; the last of 6 consecutive A bases (chr5:156,594,958-156,594,963); duplicating any one gives the same sequence. VCF-style (leftmost placement, unchanged base first): chr5-156594957-T-TA. GRCh37 (hg19) VCF-style: chr5-156021967-T-TA.
Other names: c.411dup, p.Phe138fs (NM_001128209.2); c.414dup, p.Phe139fs (NM_172244.3); short protein forms F139fs, F138fs.
Identifiers: ClinVar variation 2760849 (VCV002760849.3), dbSNP rs1383430588, ClinGen allele CA2676178499.

ClinVar aggregate classification (germline): Pathogenic (1 of 4 stars; one submission).

Conditions:
Autosomal recessive limb-girdle muscular dystrophy type 2F (LGMDR6). Also called: MUSCULAR DYSTROPHY, LIMB-GIRDLE, AUTOSOMAL RECESSIVE 6; Muscular dystrophy limb-girdle with delta-sarcoglyan deficiency. Identifiers: Orphanet 219, MedGen C1832525, MONDO:0011028, OMIM 601287. Disease mechanism: Affects gamma-sarcoglycan and also disrupts the integrity of the entire sarcoglycan complex..

Submission:

Labcorp Genetics (formerly Invitae), Labcorp
Classification: Pathogenic for Autosomal recessive limb-girdle muscular dystrophy type 2F. Last evaluated: 2023-12-10. Review status: criteria provided, single submitter. Criteria: Invitae Variant Classification Sherloc (09022015). Collection method: clinical testing. Allele origin: germline.
Comment: This sequence change creates a premature translational stop signal (p.Phe139Ilefs*2) in the SGCD gene. It is expected to result in an absent or disrupted protein product. Loss-of-function variants in SGCD are known to be pathogenic (PMID: 8841194, 10735275, 10838250). This variant is not present in population databases (gnomAD no frequency). This variant has not been reported in the literature in individuals affected with SGCD-related conditions. For these reasons, this variant has been classified as Pathogenic.

Literature cited by the submitters: PubMed 8841194; PubMed 10735275; PubMed 10838250.